The following is an entry in ClinVar:

NM_001184.4(ATR):c.424T>G (p.Phe142Val)

Gene: ATR (ATR checkpoint kinase; minus strand). Cytogenetic location: 3q23.
Variant type: single nucleotide variant.
Coding change: c.424T>G on transcript NM_001184.4 (MANE Select); coding-DNA position 424, T replaced by G.
Protein change: p.Phe142Val; replaces phenylalanine 142 with valine.
Molecular consequence: missense variant.
Genome position (GRCh38, 1-based): chr3:142,562,978, A>C on the plus strand (T>G on the coding strand, the complement: ATR is on the minus strand). VCF-style: chr3-142562978-A-C. GRCh37 (hg19) VCF-style: chr3-142281820-A-C.
Other names: c.424T>G, p.Phe142Val (NM_001354579.2); short protein forms F142V.
Identifiers: ClinVar variation 2614266 (VCV002614266.3), dbSNP rs1052799986, ClinGen allele CA84756037.

ClinVar aggregate classification (germline): Uncertain significance. Review status: criteria provided, multiple submitters, no conflicts (2 of 4 stars). 2 submissions from 2 submitters: Uncertain significance (2). Last evaluated 2024-05-30.

Conditions:
Inborn genetic diseases. Identifiers: MedGen C0950123, MeSH D030342.
Seckel syndrome 1 (SCKL1). Also called: MICROCEPHALIC PRIMORDIAL DWARFISM I. Identifiers: Orphanet 808, MedGen C4551474, MONDO:0008869, OMIM 210600.
Familial cutaneous telangiectasia and oropharyngeal predisposition cancer syndrome. Identifiers: Orphanet 313846, MedGen C3281203, MONDO:0013806, OMIM 614564.

Allele frequency attached by ClinVar (database versions not stated): gnomAD exomes below 0.00001.
gnomAD v4.1: 2 of 1,607,652 alleles (0.00012%); highest among the groups gnomAD compares: Non-Finnish European, 0.00017%; no homozygotes.

Submissions (2):

Fulgent Genetics
Classification: Uncertain significance for Seckel syndrome 1; Familial cutaneous telangiectasia and oropharyngeal predisposition cancer syndrome. Last evaluated: 2024-05-30. Review status: criteria provided, single submitter. Criteria: ACMG Guidelines, 2015. Collection method: clinical testing. Allele origin: germline.

Ambry Genetics
Classification: Uncertain significance for Inborn genetic diseases. Last evaluated: 2023-11-22. Review status: criteria provided, single submitter. Criteria: Ambry Variant Classification Scheme 2023. Collection method: clinical testing. Allele origin: germline.
Comment: The p.F142V variant (also known as c.424T>G), located in coding exon 4 of the ATR gene, results from a T to G substitution at nucleotide position 424. The phenylalanine at codon 142 is replaced by valine, an amino acid with highly similar properties. This amino acid position is conserved. In addition, the in silico prediction for this alteration is inconclusive. Since supporting evidence is limited at this time, the clinical significance of this alteration remains unclear.